The following is an entry in ClinVar:

NM_001267550.2(TTN):c.75522A>C (p.Ala25174=)

Genes: TTN-AS1 (TTN antisense RNA 1; plus strand), TTN (titin; minus strand). Cytogenetic location: 2q31.2.
Variant type: single nucleotide variant.
Coding change: c.75522A>C on transcript NM_001267550.2 (MANE Select); coding-DNA position 75522, A replaced by C.
Protein change: p.Ala25174=; no amino-acid change (alanine 25174 retained).
Molecular consequence: synonymous variant.
Genome position (GRCh38, 1-based): chr2:178,570,610, T>G on the plus strand (A>C on the coding strand, the complement: TTN is on the minus strand). VCF-style: chr2-178570610-T-G. GRCh37 (hg19) VCF-style: chr2-179435337-T-G.
Other names: p.A22606A:GCA>GCC; p.Ala22606=; c.70599A>C, p.Ala23533= (NM_001256850.1); c.48327A>C, p.Ala16109= (NM_003319.4); c.67818A>C, p.Ala22606= (NM_133378.4); c.48702A>C, p.Ala16234= (NM_133432.3); c.48903A>C, p.Ala16301= (NM_133437.4).
Identifiers: ClinVar variation 47339 (VCV000047339.33), dbSNP rs6732060, ClinGen allele CA283766.
Genomic context (GRCh38, chr2:178,570,610, plus strand): 5'-TGATCTTTCTCCTGCAACATTTTTGGCCTTCAGTATGTAATTTCCACTGTCGACACGTAC[T>G]GCATCTTTTACACTGAGACTGGTGGCAAAGTCGGTGCTCTTTATTTCTAATCGAGCTGTG-3'
Protein context (NP_001254479.2, residues 25164-25184): DFATSLSVKD[Ala25174=]VRVDSGNYIL

ClinVar aggregate classification (germline): Benign. Review status: criteria provided, multiple submitters, no conflicts (2 of 4 stars). 21 submissions from 14 submitters: Benign (19). 2 of the submissions do not count toward it. Last evaluated 2026-02-04.

Conditions:
Dilated cardiomyopathy 1G (CMD1G). Identifiers: Orphanet 154, MedGen C1858763, MONDO:0011400, OMIM 604145.
Autosomal recessive limb-girdle muscular dystrophy type 2J (LGMDR10). Also called: MUSCULAR DYSTROPHY, LIMB-GIRDLE, AUTOSOMAL RECESSIVE 10; Limb-girdle muscular dystrophy, type 2J. Identifiers: Orphanet 140922, MedGen C1837342, MONDO:0012127, OMIM 608807.
Cardiovascular phenotype. Identifiers: MedGen CN230736.
Early-onset myopathy with fatal cardiomyopathy (CMYO5). Also called: CONGENITAL MYOPATHY 5 WITH CARDIOMYOPATHY; Salih Myopathy. Identifiers: Orphanet 289377, MedGen C2673677, MONDO:0012714, OMIM 611705. Disease mechanism: loss of function.
Myopathy, myofibrillar, 9, with early respiratory failure (MFM9). Also called: Myopathy, distal, with early respiratory failure, autosomal dominant; Hereditary myopathy with early respiratory failure; MYOPATHY, PROXIMAL, WITH EARLY RESPIRATORY MUSCLE INVOLVEMENT; EDSTROM MYOPATHY. Identifiers: Orphanet 178464, Orphanet 34521, MedGen C1863599, MONDO:0011362, OMIM 603689.
Tibial muscular dystrophy (TMD). Also called: Udd Distal Myopathy – Tibial Muscular Dystrophy; Tibial muscular dystrophy, tardive; UDD MYOPATHY. Identifiers: Orphanet 609, MedGen C1838244, MONDO:0010870, OMIM 600334.

Allele frequency attached by ClinVar (database versions not stated): 1000 Genomes Project 30x 0.14741; ExAC 0.08837; TOPMed 0.11524; 1000 Genomes Project 0.14317; ESP Exome Variant Server 0.09038; gnomAD exomes 0.09129.
gnomAD v4.1: 94,997 of 1,613,380 alleles (5.9%); highest among the groups gnomAD compares: African/African-American, 22%; 5,781 homozygotes.

Submissions (21):

Labcorp Genetics (formerly Invitae), Labcorp
Classification: Benign for Dilated cardiomyopathy 1G; Autosomal recessive limb-girdle muscular dystrophy type 2J. Last evaluated: 2026-02-04. Review status: criteria provided, single submitter. Criteria: Invitae Variant Classification Sherloc (09022015). Collection method: clinical testing. Allele origin: germline.

Molecular Diagnostic Laboratory for Inherited Cardiovascular Disease, Montreal Heart Institute
Classification: Benign. Last evaluated: 2025-04-09. Review status: criteria provided, single submitter. Criteria: ACMG Guidelines, 2015. Collection method: clinical testing. Allele origin: germline. Affected: no.

Genome-Nilou Lab
Classification: Benign for Autosomal recessive limb-girdle muscular dystrophy type 2J. Last evaluated: 2021-09-10. Review status: criteria provided, single submitter. Criteria: ACMG Guidelines, 2015. Collection method: clinical testing. Allele origin: germline. Affected: no.

Genome-Nilou Lab
Classification: Benign for Myopathy, myofibrillar, 9, with early respiratory failure. Last evaluated: 2021-09-10. Review status: criteria provided, single submitter. Criteria: ACMG Guidelines, 2015. Collection method: clinical testing. Allele origin: germline. Affected: no.

Genome-Nilou Lab
Classification: Benign for Early-onset myopathy with fatal cardiomyopathy. Last evaluated: 2021-09-10. Review status: criteria provided, single submitter. Criteria: ACMG Guidelines, 2015. Collection method: clinical testing. Allele origin: germline. Affected: no.

Genome-Nilou Lab
Classification: Benign for Tibial muscular dystrophy. Last evaluated: 2021-09-10. Review status: criteria provided, single submitter. Criteria: ACMG Guidelines, 2015. Collection method: clinical testing. Allele origin: germline. Affected: no.

Women's Health and Genetics/Laboratory Corporation of America, LabCorp
Classification: Benign. Last evaluated: 2019-08-19. Review status: criteria provided, single submitter. Criteria: LabCorp Variant Classification Summary - May 2015. Collection method: clinical testing. Allele origin: germline.

Illumina Laboratory Services, Illumina
Classification: Benign for Early-onset myopathy with fatal cardiomyopathy. Last evaluated: 2018-01-13. Review status: criteria provided, single submitter. Criteria: ICSL Variant Classification Criteria 13 December 2019. Collection method: clinical testing. Allele origin: germline.
Comment: This variant was observed in the ICSL laboratory as part of a predisposition screen in an ostensibly healthy population. It had not been previously curated by ICSL or reported in the Human Gene Mutation Database (HGMD: prior to June 1st, 2018), and was therefore a candidate for classification through an automated scoring system. Utilizing variant allele frequency, disease prevalence and penetrance estimates, and inheritance mode, an automated score was calculated to assess if this variant is too frequent to cause the disease. Based on the score and internal cut-off values, a variant classified as benign is not then subjected to further curation. The score for this variant resulted in a classification of benign for this disease.

Illumina Laboratory Services, Illumina
Classification: Benign for Myopathy, myofibrillar, 9, with early respiratory failure. Last evaluated: 2018-01-13. Review status: criteria provided, single submitter. Criteria: ICSL Variant Classification Criteria 13 December 2019. Collection method: clinical testing. Allele origin: germline.
Comment: the same text as in the submission from Illumina Laboratory Services, Illumina above.

Illumina Laboratory Services, Illumina
Classification: Benign for Autosomal recessive limb-girdle muscular dystrophy type 2J. Last evaluated: 2018-01-13. Review status: criteria provided, single submitter. Criteria: ICSL Variant Classification Criteria 13 December 2019. Collection method: clinical testing. Allele origin: germline.
Comment: the same text as in the submission from Illumina Laboratory Services, Illumina above.

Illumina Laboratory Services, Illumina
Classification: Benign for Tibial muscular dystrophy. Last evaluated: 2018-01-13. Review status: criteria provided, single submitter. Criteria: ICSL Variant Classification Criteria 13 December 2019. Collection method: clinical testing. Allele origin: germline.
Comment: the same text as in the submission from Illumina Laboratory Services, Illumina above.

Illumina Laboratory Services, Illumina
Classification: Benign for Dilated cardiomyopathy 1G. Last evaluated: 2018-01-13. Review status: criteria provided, single submitter. Criteria: ICSL Variant Classification Criteria 13 December 2019. Collection method: clinical testing. Allele origin: germline.
Comment: the same text as in the submission from Illumina Laboratory Services, Illumina above.

Mayo Clinic Laboratories, Mayo Clinic
Classification: Benign. Last evaluated: 2017-08-24. Review status: criteria provided, single submitter. Criteria: ACMG Guidelines, 2015. Collection method: clinical testing. Allele origin: germline. Observed: 318 variant alleles.

Genetic Services Laboratory, University of Chicago
Classification: Benign for AllHighlyPenetrant. Last evaluated: 2013-08-15. Review status: criteria provided, single submitter. Criteria: ACMG Guidelines, 2007. Collection method: clinical testing. Allele origin: germline.

Ambry Genetics
Classification: Benign for Cardiovascular phenotype. Last evaluated: 2013-01-16. Review status: criteria provided, single submitter. Criteria: Ambry Autosomal Dominant and X-Linked criteria (10/2015). Collection method: clinical testing. Allele origin: germline. Observed: 1 variant allele.

GeneDx
Classification: Benign. Last evaluated: 2012-10-26. Review status: criteria provided, single submitter. Criteria: GeneDx Variant Classification (06012015). Collection method: clinical testing. Allele origin: germline. Affected: yes.
Comment: This variant is considered likely benign or benign based on one or more of the following criteria: it is a conservative change, it occurs at a poorly conserved position in the protein, it is predicted to be benign by multiple in silico algorithms, and/or has population frequency not consistent with disease.

Laboratory for Molecular Medicine, Mass General Brigham Personalized Medicine
Classification: Benign. Last evaluated: 2011-09-27. Review status: criteria provided, single submitter. Criteria: LMM Criteria. Collection method: clinical testing. Allele origin: germline. Observed: 263 variant alleles.

Breakthrough Genomics
Classification: Benign. Review status: criteria provided, single submitter. Criteria: ACMG Guidelines, 2015. Collection method: not provided. Allele origin: germline. Inheritance: Autosomal recessive inheritance. Affected: yes.

PreventionGenetics, part of Exact Sciences
Classification: Benign. Review status: criteria provided, single submitter. Criteria: ACMG Guidelines, 2015. Collection method: clinical testing. Allele origin: germline.

Clinical Genetics DNA and cytogenetics Diagnostics Lab, Erasmus MC, Erasmus Medical Center
Classification: Benign. Review status: no assertion criteria provided. Collection method: clinical testing. Allele origin: germline. Affected: yes. Study: VKGL Data-share Consensus. Not counted in ClinVar's aggregate classification.

Clinical Genetics, Academic Medical Center
Classification: Benign. Review status: no assertion criteria provided. Collection method: clinical testing. Allele origin: germline. Affected: yes. Study: VKGL Data-share Consensus. Not counted in ClinVar's aggregate classification.